The following is an entry in ClinVar:

ClinVar aggregate classification (germline): Conflicting classifications of pathogenicity. Review status: criteria provided, conflicting classifications (1 of 4 stars). 2 submissions from 2 submitters: Uncertain significance (1); Likely benign (1). Last evaluated 2025-08-22.

Conditions:
Hereditary cancer-predisposing syndrome. Also called: Neoplastic Syndromes, Hereditary; Tumor predisposition; Hereditary Cancer Syndrome; Hereditary neoplastic syndrome. Identifiers: Orphanet 140162, MedGen C0027672, MeSH D009386, MONDO:0015356.

Submissions (2):

Color Diagnostics, LLC DBA Color Health
Classification: Uncertain significance for Hereditary cancer-predisposing syndrome. Last evaluated: 2025-08-22. Review status: criteria provided, single submitter. Criteria: ACMG Guidelines, 2015. Collection method: clinical testing. Allele origin: germline.
Comment: This variant is located in the BRCA1 protein. To our knowledge, functional studies have not been reported for this variant. This variant has not been reported in individuals affected with BRCA1-related disorders in the literature. This variant has not been identified in the general population by the Genome Aggregation Database (gnomAD). The available evidence is insufficient to determine the role of this variant in disease conclusively. Therefore, this variant is classified as a Variant of Uncertain Significance.

Ambry Genetics
Classification: Likely benign for Hereditary cancer-predisposing syndrome. Last evaluated: 2021-10-08. Review status: criteria provided, single submitter. Criteria: Ambry Variant Classification Scheme 2023. Collection method: clinical testing. Allele origin: germline.

NM_007294.4(BRCA1):c.3384G>T (p.Leu1128=)

Genes: BRCA1 (BRCA1 DNA repair associated; minus strand), LOC126862571 (BRD4-independent group 4 enhancer GRCh37_chr17:41243136-41244335; plus strand). Cytogenetic location: 17q21.31.
Variant type: single nucleotide variant.
Coding change: c.3384G>T on transcript NM_007294.4 (MANE Select); coding-DNA position 3384, G replaced by T.
Protein change: p.Leu1128=; no amino-acid change (leucine 1128 retained).
Molecular consequence: synonymous variant. On other transcripts: intron variant (137).
Genome position (GRCh38, 1-based): chr17:43,092,147, C>A on the plus strand (G>T on the coding strand, the complement: BRCA1 is on the minus strand). VCF-style: chr17-43092147-C-A. GRCh37 (hg19) VCF-style: chr17-41244164-C-A.
Other names: c.575-1115G>T (NM_001408490.1, NM_001408491.1, NM_001408493.1); c.455-1115G>T (NM_001408502.1); c.578-1115G>T (NM_001408489.1, NM_001408479.1, NM_001408481.1 and 9 more transcripts); c.785-1115G>T (NM_001408473.1, NM_001408407.1, NM_001408402.1 and 13 more transcripts); c.668-1115G>T (NM_001408431.1, NM_001408424.1, NM_001408421.1); c.662-1115G>T (NM_001408445.1, NM_001408432.1, NM_001408446.1 and 6 more transcripts); c.3171G>T, p.Leu1057= (NM_001407571.1, NM_001407853.1, NM_001407894.1 and 9 more transcripts); c.3384G>T, p.Leu1128= (NM_001407581.1, NM_001407582.1, NM_001407583.1 and 30 more transcripts); and 41 more.
Identifiers: ClinVar variation 1730844 (VCV001730844.3), dbSNP rs1567791874, ClinGen allele CA500232570.
Genomic context (GRCh38, chr17:43,092,147, plus strand): 5'-CTCAGAACAAACCTGAGATGCATGACTACTTCCCATAGGCTGTTCTAAGTTATCTGAAAT[C>A]AGATATGGAGAGAAATCTGTATTAACAGTCTGAACTACTTCTTCATATTCTTGCTTTTTT-3'
Protein context (NP_009225.1, residues 1118-1138): QTVNTDFSPY[Leu1128=]ISDNLEQPMG